The following is an entry in ClinVar:

NM_001375834.1(WIPF1):c.509C>G (p.Pro170Arg)

Gene: WIPF1 (WAS/WASL interacting protein family member 1; minus strand). Cytogenetic location: 2q31.1.
Variant type: single nucleotide variant.
Coding change: c.509C>G on transcript NM_001375834.1 (MANE Select); coding-DNA position 509, C replaced by G.
Protein change: p.Pro170Arg; replaces proline 170 with arginine.
Molecular consequence: missense variant. On other transcripts: intron variant (1).
Genome position (GRCh38, 1-based): chr2:174,572,296, G>C on the plus strand (C>G on the coding strand, the complement: WIPF1 is on the minus strand). VCF-style: chr2-174572296-G-C. GRCh37 (hg19) VCF-style: chr2-175437024-G-C.
Other names: c.509C>G, p.Pro170Arg (NM_001077269.1, NM_001375832.1, NM_001375833.1 and 5 more transcripts); c.182-51C>G (NM_001375839.1); short protein forms P170R.
Identifiers: ClinVar variation 1041974 (VCV001041974.7), dbSNP rs560424291, ClinGen allele CA1974113.

ClinVar aggregate classification (germline): Uncertain significance. Review status: criteria provided, multiple submitters, no conflicts (2 of 4 stars). 2 submissions from 2 submitters: Uncertain significance (2). Last evaluated 2025-08-21.

Conditions:
Inborn genetic diseases. Identifiers: MedGen C0950123, MeSH D030342.
Wiskott-Aldrich syndrome 2 (WAS2). Also called: WIPF1 DEFICIENCY. Identifiers: Orphanet 906, MedGen C3281001, MONDO:0013779, OMIM 614493.

Allele frequency attached by ClinVar (database versions not stated): gnomAD 0.00002 and 0.00005; TOPMed 0.00028; 1000 Genomes Project 30x 0.00047; 1000 Genomes Project 0.00060.
gnomAD v4.1: 75 of 1,614,146 alleles (0.0046%); highest among the groups gnomAD compares: East Asian, 0.16%; no homozygotes.

Submissions (2):

Ambry Genetics
Classification: Uncertain significance for Inborn genetic diseases. Last evaluated: 2025-08-21. Review status: criteria provided, single submitter. Criteria: Ambry Variant Classification Scheme 2023. Collection method: clinical testing. Allele origin: germline.

Labcorp Genetics (formerly Invitae), Labcorp
Classification: Uncertain significance for Wiskott-Aldrich syndrome 2. Last evaluated: 2022-02-28. Review status: criteria provided, single submitter. Criteria: Invitae Variant Classification Sherloc (09022015). Collection method: clinical testing. Allele origin: germline.
Comment: This sequence change replaces proline, which is neutral and non-polar, with arginine, which is basic and polar, at codon 170 of the WIPF1 protein (p.Pro170Arg). This variant is present in population databases (rs560424291, gnomAD 0.1%). This variant has not been reported in the literature in individuals affected with WIPF1-related conditions. ClinVar contains an entry for this variant (Variation ID: 1041974). Algorithms developed to predict the effect of missense changes on protein structure and function are either unavailable or do not agree on the potential impact of this missense change (SIFT: "Not Available"; PolyPhen-2: "Possibly Damaging"; Align-GVGD: "Not Available"). In summary, the available evidence is currently insufficient to determine the role of this variant in disease. Therefore, it has been classified as a Variant of Uncertain Significance.